The following is an entry in ClinVar:

ClinVar aggregate classification (germline): Uncertain significance (1 of 4 stars; one submission).

Allele frequency attached by ClinVar (database versions not stated): gnomAD exomes 0.00001; ExAC 0.00003.
gnomAD v4.1: 12 of 1,614,148 alleles (0.00074%); highest among the groups gnomAD compares: East Asian, 0.027%; no homozygotes.

Submission:

Labcorp Genetics (formerly Invitae), Labcorp
Classification: Uncertain significance. Last evaluated: 2022-02-20. Review status: criteria provided, single submitter. Criteria: Invitae Variant Classification Sherloc (09022015). Collection method: clinical testing. Allele origin: germline.
Comment: In summary, the available evidence is currently insufficient to determine the role of this variant in disease. Therefore, it has been classified as a Variant of Uncertain Significance. Algorithms developed to predict the effect of missense changes on protein structure and function are either unavailable or do not agree on the potential impact of this missense change (SIFT: "Deleterious"; PolyPhen-2: "Benign"; Align-GVGD: "Class C55"). This variant has not been reported in the literature in individuals affected with VCAN-related conditions. This variant is present in population databases (rs776655704, gnomAD 0.02%). This sequence change replaces valine, which is neutral and non-polar, with alanine, which is neutral and non-polar, at codon 118 of the VCAN protein (p.Val118Ala).

NM_004385.5(VCAN):c.353T>C (p.Val118Ala)

Gene: VCAN (versican; plus strand). Cytogenetic location: 5q14.2.
Variant type: single nucleotide variant.
Coding change: c.353T>C on transcript NM_004385.5 (MANE Select); coding-DNA position 353, T replaced by C.
Protein change: p.Val118Ala; replaces valine 118 with alanine.
Molecular consequence: missense variant.
Genome position (GRCh38, 1-based): chr5:83,490,380, T>C. VCF-style: chr5-83490380-T-C. GRCh37 (hg19) VCF-style: chr5-82786199-T-C.
Other names: c.353T>C, p.Val118Ala (NM_001126336.3, NM_001164097.2, NM_001164098.2); short protein forms V118A.
Identifiers: ClinVar variation 2100484 (VCV002100484.4), dbSNP rs776655704, ClinGen allele CA3332432.
Genomic context (GRCh38, chr5:83,490,380, plus strand): 5'-AAGGGAGAGTGTCTGTGCCCACACATCCCGAGGCTGTGGGCGATGCCTCCCTCACTGTGG[T>C]CAAGCTGCTGGCAAGTGATGCGGGTCTTTACCGCTGTGACGTCATGTACGGGATTGAAGA-3'
Protein context (NP_004376.2, residues 108-128): EAVGDASLTV[Val118Ala]KLLASDAGLY